The following is an entry in ClinVar:

NM_014225.6(PPP2R1A):c.-4del

Gene: PPP2R1A (protein phosphatase 2 scaffold subunit Aalpha; plus strand). Cytogenetic location: 19q13.41.
Variant type: Deletion.
Coding change: c.-4del on transcript NM_014225.6 (MANE Select); 4 bases upstream of the start codon, one base deleted (C; older notation c.-4delC).
Molecular consequence: 5 prime UTR variant. On other transcripts: non-coding transcript variant (1).
Genome position (GRCh38, 1-based): chr19:52,190,093, C deleted; the last of 2 consecutive C bases (chr19:52,190,092-52,190,093); deleting either gives the same sequence. VCF-style (leftmost placement, unchanged base first): chr19-52190091-GC-G. GRCh37 (hg19) VCF-style: chr19-52693344-GC-G.
Identifiers: ClinVar variation 1723416 (VCV001723416.1), dbSNP rs2514067485, ClinGen allele CA2580097690.

ClinVar aggregate classification (germline): Uncertain significance (1 of 4 stars; one submission).

Submission:

Women's Health and Genetics/Laboratory Corporation of America, LabCorp
Classification: Uncertain significance. Last evaluated: 2022-10-28. Review status: criteria provided, single submitter. Criteria: LabCorp Variant Classification Summary - May 2015. Collection method: clinical testing. Allele origin: germline.
Comment: Variant summary: PPP2R1A c.-4delC is located in the untranslated mRNA region upstream of the initiation codon. 4/4 computational tools predict no significant impact on normal splicing. However, these predictions have yet to be confirmed by functional studies. The variant was absent in 153916 control chromosomes. The available data on variant occurrences in the general population are insufficient to allow any conclusion about variant significance. To our knowledge, no occurrence of c.-4delC in individuals affected with Mental Retardation, Autosomal Dominant 36 and no experimental evidence demonstrating its impact on protein function have been reported. No clinical diagnostic laboratories have submitted clinical-significance assessments for this variant to ClinVar after 2014. Based on the evidence outlined above, the variant was classified as uncertain significance.